The following is an entry in ClinVar:

NM_182914.3(SYNE2):c.13918-6T>C

Gene: SYNE2 (spectrin repeat containing nuclear envelope protein 2; plus strand). Cytogenetic location: 14q23.2.
Variant type: single nucleotide variant.
Coding change: c.13918-6T>C on transcript NM_182914.3 (MANE Select); 6 bases into the intron before coding-DNA position 13918, T replaced by C.
Molecular consequence: intron variant.
Genome position (GRCh38, 1-based): chr14:64,128,446, T>C. VCF-style: chr14-64128446-T-C. GRCh37 (hg19) VCF-style: chr14-64595164-T-C.
Other names: c.13918-6T>C (NM_015180.6).
Identifiers: ClinVar variation 198663 (VCV000198663.24), dbSNP rs187859624, ClinGen allele CA247449.

ClinVar aggregate classification (germline): Conflicting classifications of pathogenicity. Review status: criteria provided, conflicting classifications (1 of 4 stars). 5 submissions from 5 submitters: Uncertain significance (1); Benign (2); Likely benign (1). 1 of the submissions does not count toward it. Last evaluated 2026-01-14.

Conditions:
SYNE2-related disorder. Also called: SYNE2-related condition.
Emery-Dreifuss muscular dystrophy 5, autosomal dominant (EDMD5). Also called: EMERY-DREIFUSS MUSCULAR DYSTROPHY 5. Identifiers: Orphanet 261, MedGen C2751805, MONDO:0013072, OMIM 612999.

Allele frequency attached by ClinVar (database versions not stated): gnomAD exomes 0.00016 and 0.00056; gnomAD 0.00020 and 0.00031; TOPMed 0.00027; ExAC 0.00053; 1000 Genomes Project 30x 0.00234; 1000 Genomes Project 0.00260.
gnomAD v4.1: 254 of 1,470,388 alleles (0.017%); highest among the groups gnomAD compares: East Asian, 0.54%; 1 homozygote.

Submissions (5):

Labcorp Genetics (formerly Invitae), Labcorp
Classification: Benign for Emery-Dreifuss muscular dystrophy 5, autosomal dominant. Last evaluated: 2026-01-14. Review status: criteria provided, single submitter. Criteria: Invitae Variant Classification Sherloc (09022015). Collection method: clinical testing. Allele origin: germline.

Blueprint Genetics
Classification: Likely benign. Last evaluated: 2024-05-03. Review status: criteria provided, single submitter. Criteria: ACMG Guidelines, 2015. Collection method: clinical testing. Allele origin: germline.

Illumina Laboratory Services, Illumina
Classification: Benign for Emery-Dreifuss muscular dystrophy 5, autosomal dominant. Last evaluated: 2018-01-12. Review status: criteria provided, single submitter. Criteria: ICSL Variant Classification Criteria 13 December 2019. Collection method: clinical testing. Allele origin: germline.
Comment: This variant was observed in the ICSL laboratory as part of a predisposition screen in an ostensibly healthy population. It had not been previously curated by ICSL or reported in the Human Gene Mutation Database (HGMD: prior to June 1st, 2018), and was therefore a candidate for classification through an automated scoring system. Utilizing variant allele frequency, disease prevalence and penetrance estimates, and inheritance mode, an automated score was calculated to assess if this variant is too frequent to cause the disease. Based on the score and internal cut-off values, a variant classified as benign is not then subjected to further curation. The score for this variant resulted in a classification of benign for this disease.

Eurofins Ntd Llc (ga)
Classification: Uncertain significance. Last evaluated: 2015-02-05. Review status: criteria provided, single submitter. Criteria: EGL Classification Definitions 2015. Collection method: clinical testing. Allele origin: germline. Observed: 2 variant alleles, 2 heterozygotes.

PreventionGenetics, part of Exact Sciences
Classification: Benign for SYNE2-related condition. Last evaluated: 2019-12-09. Review status: no assertion criteria provided. Collection method: clinical testing. Allele origin: germline. Not counted in ClinVar's aggregate classification.
Comment: This variant is classified as benign based on ACMG/AMP sequence variant interpretation guidelines (Richards et al. 2015 PMID: 25741868, with internal and published modifications).